The following is an entry in ClinVar:

ClinVar aggregate classification (germline): Uncertain significance. Review status: criteria provided, multiple submitters, no conflicts (2 of 4 stars). 5 submissions from 5 submitters: Uncertain significance (5). Last evaluated 2025-08-28.

Conditions:
Neurofibromatosis, type 1 (NF1). Also called: Peripheral type neurofibromatosis; NEUROFIBROMATOSIS, TYPE I, SOMATIC; Neurofibromatosis, type I; VON RECKLINGHAUSEN DISEASE. Identifiers: Orphanet 636, MedGen C0027831, MONDO:0018975, OMIM 162200. Disease mechanism: loss of function.
Juvenile myelomonocytic leukemia (JMML). Also called: LEUKEMIA, JUVENILE MYELOMONOCYTIC, SOMATIC. Identifiers: Orphanet 86834, MedGen C0349639, MONDO:0011908, OMIM 607785, HP:0012209.

gnomAD v4.1: 2 of 1,613,924 alleles (0.00012%); highest among the groups gnomAD compares: Non-Finnish European, 0.00017%; no homozygotes.

Submissions (5):

Labcorp Genetics (formerly Invitae), Labcorp
Classification: Uncertain significance for Neurofibromatosis, type 1. Last evaluated: 2025-08-28. Review status: criteria provided, single submitter. Criteria: Invitae Variant Classification Sherloc (09022015). Collection method: clinical testing. Allele origin: germline.
Comment: This sequence change replaces valine, which is neutral and non-polar, with leucine, which is neutral and non-polar, at codon 2588 of the NF1 protein (p.Val2588Leu). This variant is not present in population databases (gnomAD no frequency). This variant has not been reported in the literature in individuals affected with NF1-related conditions. ClinVar contains an entry for this variant (Variation ID: 527447). Invitae Evidence Modeling of protein sequence and biophysical properties (such as structural, functional, and spatial information, amino acid conservation, physicochemical variation, residue mobility, and thermodynamic stability) has been performed for this missense variant. However, the output from this modeling did not meet the statistical confidence thresholds required to predict the impact of this variant on NF1 protein function. In summary, the available evidence is currently insufficient to determine the role of this variant in disease. Therefore, it has been classified as a Variant of Uncertain Significance.

Baylor Genetics
Classification: Uncertain significance for Juvenile myelomonocytic leukemia. Last evaluated: 2023-12-02. Review status: criteria provided, single submitter. Criteria: ACMG Guidelines, 2015. Collection method: clinical testing. Allele origin: unknown.

Genome-Nilou Lab
Classification: Uncertain significance for Neurofibromatosis, type 1. Last evaluated: 2022-03-15. Review status: criteria provided, single submitter. Criteria: ACMG Guidelines, 2015. Collection method: clinical testing. Allele origin: germline. Affected: no.

Blueprint Genetics
Classification: Uncertain significance. Last evaluated: 2019-08-19. Review status: criteria provided, single submitter. Criteria: ACMG Guidelines, 2015. Collection method: clinical testing. Allele origin: germline.

GeneDx
Classification: Uncertain significance. Last evaluated: 2018-03-23. Review status: criteria provided, single submitter. Criteria: GeneDx Variant Classification (06012015). Collection method: clinical testing. Allele origin: germline. Affected: yes.
Comment: This variant is denoted NF1 c.7762G>C at the cDNA level, p.Val2588Leu (V2588L) at the protein level, and results in the change of a Valine to a Leucine (GTA>CTA). This variant has not, to our knowledge, been published in the literature as pathogenic or benign. NF1 Val2588Leu was not observed in large population cohorts (Lek 2016). This variant is located in the C-terminal domain (Luo 2014). In silico analysis, which includes protein predictors and evolutionary conservation, supports that this variant does not alter protein structure/function. Based on currently available evidence, it is unclear whether NF1 Val2588Leu is a pathogenic or benign variant. We consider it to be a variant of uncertain significance.

NM_001042492.3(NF1):c.7825G>C (p.Val2609Leu)

Gene: NF1 (neurofibromin 1; plus strand). Cytogenetic location: 17q11.2.
Variant type: single nucleotide variant.
Coding change: c.7825G>C on transcript NM_001042492.3 (MANE Select); coding-DNA position 7825, G replaced by C.
Protein change: p.Val2609Leu; replaces valine 2609 with leucine.
Molecular consequence: missense variant.
Genome position (GRCh38, 1-based): chr17:31,357,046, G>C. VCF-style: chr17-31357046-G-C. GRCh37 (hg19) VCF-style: chr17-29684064-G-C.
Other names: c.7762G>C, p.Val2588Leu (NM_000267.4); short protein forms V2588L, V2609L.
Identifiers: ClinVar variation 527447 (VCV000527447.8), dbSNP rs786203848, ClinGen allele CA399018589.